The following is an entry in ClinVar:

ClinVar aggregate classification (germline): Uncertain significance. Review status: criteria provided, multiple submitters, no conflicts (2 of 4 stars). 2 submissions from 2 submitters: Uncertain significance (2). Last evaluated 2025-11-21.

Conditions:
Hereditary cancer-predisposing syndrome. Also called: Hereditary neoplastic syndrome; Neoplastic Syndromes, Hereditary; Hereditary Cancer Syndrome; Tumor predisposition. Identifiers: Orphanet 140162, MedGen C0027672, MeSH D009386, MONDO:0015356.

Allele frequency attached by ClinVar (database versions not stated): TOPMed below 0.00001.

Submissions (2):

Labcorp Genetics (formerly Invitae), Labcorp
Classification: Uncertain significance. Last evaluated: 2025-11-21. Review status: criteria provided, single submitter. Criteria: Invitae Variant Classification Sherloc (09022015). Collection method: clinical testing. Allele origin: germline.
Comment: This sequence change replaces leucine, which is neutral and non-polar, with proline, which is neutral and non-polar, at codon 548 of the MSH3 protein (p.Leu548Pro). This variant is not present in population databases (gnomAD no frequency). This variant has not been reported in the literature in individuals affected with MSH3-related conditions. ClinVar contains an entry for this variant (Variation ID: 1485573). An algorithm developed to predict the effect of missense changes on protein structure and function (PolyPhen-2) suggests that this variant is likely to be disruptive. In summary, the available evidence is currently insufficient to determine the role of this variant in disease. Therefore, it has been classified as a Variant of Uncertain Significance.

Ambry Genetics
Classification: Uncertain significance for Hereditary cancer-predisposing syndrome. Last evaluated: 2025-09-08. Review status: criteria provided, single submitter. Criteria: Ambry Variant Classification Scheme 2023. Collection method: clinical testing. Allele origin: germline.
Comment: The p.L548P variant (also known as c.1643T>C), located in coding exon 11 of the MSH3 gene, results from a T to C substitution at nucleotide position 1643. The leucine at codon 548 is replaced by proline, an amino acid with similar properties. This amino acid position is conserved. In addition, this alteration is predicted to be deleterious by in silico analysis. Based on the available evidence, the clinical significance of this variant remains unclear.

NM_002439.5(MSH3):c.1643T>C (p.Leu548Pro)

Gene: MSH3 (mutS homolog 3; plus strand). Cytogenetic location: 5q14.1.
Variant type: single nucleotide variant.
Coding change: c.1643T>C on transcript NM_002439.5 (MANE Select); coding-DNA position 1643, T replaced by C.
Protein change: p.Leu548Pro; replaces leucine 548 with proline.
Molecular consequence: missense variant.
Genome position (GRCh38, 1-based): chr5:80,741,538, T>C. VCF-style: chr5-80741538-T-C. GRCh37 (hg19) VCF-style: chr5-80037357-T-C.
Other names: c.1643T>C (NM_002439.3); short protein forms L548P.
Identifiers: ClinVar variation 1485573 (VCV001485573.12), dbSNP rs1743614572, ClinGen allele CA360274579.